The following is an entry in ClinVar:

NM_001036.6(RYR3):c.4483A>G (p.Ile1495Val)

Gene: RYR3 (ryanodine receptor 3; plus strand). Cytogenetic location: 15q14.
Variant type: single nucleotide variant.
Coding change: c.4483A>G on transcript NM_001036.6 (MANE Select); coding-DNA position 4483, A replaced by G.
Protein change: p.Ile1495Val; replaces isoleucine 1495 with valine.
Molecular consequence: missense variant.
Genome position (GRCh38, 1-based): chr15:33,660,284, A>G. VCF-style: chr15-33660284-A-G. GRCh37 (hg19) VCF-style: chr15-33952485-A-G.
Other names: c.4483A>G, p.Ile1495Val (NM_001243996.4); c.4483A>G (NM_001036.3); short protein forms I1495V.
Identifiers: ClinVar variation 461914 (VCV000461914.9), dbSNP rs553354987, ClinGen allele CA268542232.
Genomic context (GRCh38, chr15:33,660,284, plus strand): 5'-TTCAGGAGTGAAGAGAAGAACCCAGTCCCACAGTGTCCACCTCGGCTGGACGTCCAAACC[A>G]TCCAGCCCGTGCTCTGGAGCCGCATGCCCAACAGCTTCCTGAAGGTGGAGACCGAGCGTG-3'
Protein context (NP_001027.3, residues 1485-1505): QCPPRLDVQT[Ile1495Val]QPVLWSRMPN

ClinVar aggregate classification (germline): Uncertain significance. Review status: criteria provided, multiple submitters, no conflicts (2 of 4 stars). 2 submissions from 2 submitters: Uncertain significance (2). Last evaluated 2023-11-20.

Conditions:
Epileptic encephalopathy. Identifiers: MedGen C0543888, HP:0200134.

Allele frequency attached by ClinVar (database versions not stated): TOPMed 0.00002; gnomAD 0.00003.
gnomAD v4.1: 32 of 1,563,072 alleles (0.002%); highest among the groups gnomAD compares: African/African-American, 0.0041%; no homozygotes.

Submissions (2):

Ambry Genetics
Classification: Uncertain significance. Last evaluated: 2023-11-20. Review status: criteria provided, single submitter. Criteria: Ambry Variant Classification Scheme 2023. Collection method: clinical testing. Allele origin: germline.

Labcorp Genetics (formerly Invitae), Labcorp
Classification: Uncertain significance for Epileptic encephalopathy. Last evaluated: 2022-08-16. Review status: criteria provided, single submitter. Criteria: Invitae Variant Classification Sherloc (09022015). Collection method: clinical testing. Allele origin: germline.
Comment: Algorithms developed to predict the effect of missense changes on protein structure and function (SIFT, PolyPhen-2, Align-GVGD) all suggest that this variant is likely to be tolerated. This sequence change replaces isoleucine, which is neutral and non-polar, with valine, which is neutral and non-polar, at codon 1495 of the RYR3 protein (p.Ile1495Val). This variant is present in population databases (no rsID available, gnomAD 0.006%). This variant has not been reported in the literature in individuals affected with RYR3-related conditions. ClinVar contains an entry for this variant (Variation ID: 461914). In summary, the available evidence is currently insufficient to determine the role of this variant in disease. Therefore, it has been classified as a Variant of Uncertain Significance.